The following is an entry in ClinVar:

ClinVar aggregate classification (germline): Conflicting classifications of pathogenicity. Review status: criteria provided, conflicting classifications (1 of 4 stars). 2 submissions from 2 submitters: Likely pathogenic (1); Uncertain significance (1). Last evaluated 2024-07-23.

Submissions (2):

GeneDx
Classification: Likely pathogenic. Last evaluated: 2024-07-23. Review status: criteria provided, single submitter. Criteria: GeneDx Variant Classification Process June 2021. Collection method: clinical testing. Allele origin: germline. Affected: yes.
Comment: Not observed at significant frequency in large population cohorts (gnomAD); In silico analysis supports that this missense variant has a deleterious effect on protein structure/function; Has not been previously published as pathogenic or benign to our knowledge; This variant is associated with the following publications: (PMID: 26986877)

Labcorp Genetics (formerly Invitae), Labcorp
Classification: Uncertain significance. Last evaluated: 2023-10-27. Review status: criteria provided, single submitter. Criteria: Invitae Variant Classification Sherloc (09022015). Collection method: clinical testing. Allele origin: germline.
Comment: This sequence change replaces leucine, which is neutral and non-polar, with proline, which is neutral and non-polar, at codon 222 of the NR2F1 protein (p.Leu222Pro). This variant is not present in population databases (gnomAD no frequency). This variant has not been reported in the literature in individuals affected with NR2F1-related conditions. ClinVar contains an entry for this variant (Variation ID: 2575644). Advanced modeling of protein sequence and biophysical properties (such as structural, functional, and spatial information, amino acid conservation, physicochemical variation, residue mobility, and thermodynamic stability) performed at Invitae indicates that this missense variant is not expected to disrupt NR2F1 protein function with a negative predictive value of 80%. In summary, the available evidence is currently insufficient to determine the role of this variant in disease. Therefore, it has been classified as a Variant of Uncertain Significance.

NM_005654.6(NR2F1):c.665T>C (p.Leu222Pro)

Gene: NR2F1 (nuclear receptor subfamily 2 group F member 1; plus strand). Cytogenetic location: 5q15.
Variant type: single nucleotide variant.
Coding change: c.665T>C on transcript NM_005654.6 (MANE Select); coding-DNA position 665, T replaced by C.
Protein change: p.Leu222Pro; replaces leucine 222 with proline.
Molecular consequence: missense variant.
Genome position (GRCh38, 1-based): chr5:93,588,118, T>C. VCF-style: chr5-93588118-T-C. GRCh37 (hg19) VCF-style: chr5-92923824-T-C.
Other names: c.215T>C, p.Leu72Pro (NM_001410754.1); short protein forms L222P, L72P.
Identifiers: ClinVar variation 2575644 (VCV002575644.5), dbSNP rs2480808763, ClinGen allele CA360526816.
Genomic context (GRCh38, chr5:93,588,118, plus strand): 5'-GCTACGGCAGCCAGTGCATGCAGCCCAACAACATTATGGGCATCGAGAACATCTGCGAGC[T>C]GGCCGCGCGCCTGCTCTTCAGCGCCGTCGAGTGGGCCCGCAACATCCCCTTCTTCCCGGA-3'
Protein context (NP_005645.1, residues 212-232): NIMGIENICE[Leu222Pro]AARLLFSAVE